The following is an entry in ClinVar:

NC_000005.10:g.112707342T>G

Gene: APC (APC regulator of Wnt signaling pathway; plus strand). Cytogenetic location: 5q22.2.
Variant type: single nucleotide variant.
Genome position: GRCh38 VCF-style: chr5-112707342-T-G. GRCh37 (hg19) VCF-style: chr5-112043039-T-G.
Identifiers: ClinVar variation 1017270 (VCV001017270.10), dbSNP rs1580995288, ClinGen allele CA1573442177.

ClinVar aggregate classification (germline): Uncertain significance (1 of 4 stars; one submission).

Conditions:
Familial adenomatous polyposis 1 (FAP1). Also called: POLYPOSIS, ADENOMATOUS INTESTINAL; FAMILIAL ADENOMATOUS POLYPOSIS 1, ATTENUATED. Identifiers: MedGen C2713442, MONDO:0021056, OMIM 175100. Disease mechanism: loss of function.

Submission:

Labcorp Genetics (formerly Invitae), Labcorp
Classification: Uncertain significance for Familial adenomatous polyposis 1. Last evaluated: 2020-03-24. Review status: criteria provided, single submitter. Criteria: Invitae Variant Classification Sherloc (09022015). Collection method: clinical testing. Allele origin: germline.
Comment: In summary, the available evidence is currently insufficient to determine the role of this variant in disease. Therefore, it has been classified as a Variant of Uncertain Significance. Experimental studies and prediction algorithms are not available for this variant, and the functional significance of this non-coding change is currently unknown. This variant has not been reported in the literature in individuals with APC-related conditions. The frequency data for this variant in the population databases is considered unreliable, as metrics indicate insufficient coverage at this position in the ExAC database. This variant occurs in a non-coding region of the APC gene. It does not change the encoded amino acid sequence of the APC protein.